The following is an entry in ClinVar:

ClinVar aggregate classification (germline): Uncertain significance (1 of 4 stars; one submission).

Submission:

GeneDx
Classification: Uncertain significance. Last evaluated: 2025-01-30. Review status: criteria provided, single submitter. Criteria: GeneDx Variant Classification Process June 2021. Collection method: clinical testing. Allele origin: germline.
Comment: Not observed at significant frequency in large population cohorts (gnomAD); In silico analysis supports that this missense variant has a deleterious effect on protein structure/function; Has not been previously published as pathogenic or benign to our knowledge

NM_017780.4(CHD7):c.8198C>A (p.Ala2733Asp)

Gene: CHD7 (chromodomain helicase DNA binding protein 7; plus strand). Cytogenetic location: 8q12.2.
Variant type: single nucleotide variant.
Coding change: c.8198C>A on transcript NM_017780.4 (MANE Select); coding-DNA position 8198, C replaced by A.
Protein change: p.Ala2733Asp; replaces alanine 2733 with aspartic acid.
Molecular consequence: missense variant.
Genome position (GRCh38, 1-based): chr8:60,865,137, C>A. VCF-style: chr8-60865137-C-A. GRCh37 (hg19) VCF-style: chr8-61777696-C-A.
Other names: c.2051C>A, p.Ala684Asp (NM_001316690.1); short protein forms A2733D, A684D.
Identifiers: ClinVar variation 2430712 (VCV002430712.2), dbSNP rs2488143531, ClinGen allele CA371307669.